The following is an entry in ClinVar:

ClinVar aggregate classification (germline): Uncertain significance. Review status: criteria provided, multiple submitters, no conflicts (2 of 4 stars). 2 submissions from 2 submitters: Uncertain significance (2). Last evaluated 2025-12-03.

Conditions:
Inborn genetic diseases. Identifiers: MedGen C0950123, MeSH D030342.

gnomAD v4.1: 1 of 1,613,966 alleles (0.000062%); highest among the groups gnomAD compares: African/African-American, 0.0013%; no homozygotes.

Submissions (2):

Ambry Genetics
Classification: Uncertain significance for Inborn genetic diseases. Last evaluated: 2025-12-03. Review status: criteria provided, single submitter. Criteria: Ambry Variant Classification Scheme 2023. Collection method: clinical testing. Allele origin: germline.

Labcorp Genetics (formerly Invitae), Labcorp
Classification: Uncertain significance. Last evaluated: 2025-08-25. Review status: criteria provided, single submitter. Criteria: Invitae Variant Classification Sherloc (09022015). Collection method: clinical testing. Allele origin: germline.
Comment: This sequence change replaces tryptophan, which is neutral and slightly polar, with cysteine, which is neutral and slightly polar, at codon 1506 of the ANK3 protein (p.Trp1506Cys). This variant is present in population databases (no rsID available, gnomAD 0.007%). This variant has not been reported in the literature in individuals affected with ANK3-related conditions. Invitae Evidence Modeling of protein sequence and biophysical properties (such as structural, functional, and spatial information, amino acid conservation, physicochemical variation, residue mobility, and thermodynamic stability) indicates that this missense variant is expected to disrupt ANK3 protein function with a positive predictive value of 80%. In summary, the available evidence is currently insufficient to determine the role of this variant in disease. Therefore, it has been classified as a Variant of Uncertain Significance.

NM_020987.5(ANK3):c.4518G>C (p.Trp1506Cys)

Gene: ANK3 (ankyrin 3; minus strand). Cytogenetic location: 10q21.2.
Variant type: single nucleotide variant.
Coding change: c.4518G>C on transcript NM_020987.5 (MANE Select); coding-DNA position 4518, G replaced by C.
Protein change: p.Trp1506Cys; replaces tryptophan 1506 with cysteine.
Molecular consequence: missense variant. On other transcripts: intron variant (4).
Genome position (GRCh38, 1-based): chr10:60,076,363, C>G on the plus strand (G>C on the coding strand, the complement: ANK3 is on the minus strand). VCF-style: chr10-60076363-C-G. GRCh37 (hg19) VCF-style: chr10-61836121-C-G.
Other names: c.4387+4174G>C (NM_001204403.2); c.4408+4174G>C (NM_001204404.2); c.4405+4174G>C (NM_001320874.2); c.1807+4174G>C (NM_001149.4); short protein forms W1506C.
Identifiers: ClinVar variation 4577380 (VCV004577380.2).
Genomic context (GRCh38, chr10:60,076,363, plus strand): 5'-ACTTGATAAGGAAGTGAAGCCTGACTTGGCTGGCCCAGGCACTGTAATCGGAGCTGTTGT[C>G]CAGGACTGGTATGGTCTTGTAGAAAAGAATGGCTTGTATGAGTAAGTGGTGGGGAGGGAT-3'
Protein context (NP_066267.2, residues 1496-1516): PFFSTRPYQS[Trp1506Cys]TTAPITVPGP